The following is an entry in ClinVar:

NC_000023.11:g.71366347A>G

Gene: TAF1 (TATA-box binding protein associated factor 1; plus strand). Cytogenetic location: Xq13.1.
Variant type: single nucleotide variant.
Genome position: GRCh38 VCF-style: chrX-71366347-A-G. GRCh37 (hg19) VCF-style: chrX-70586197-A-G.
Identifiers: ClinVar variation 4822117 (VCV004822117.5).
Genomic context (GRCh38, chrX:71,366,347, plus strand): 5'-TGGGCGACTGTTGTTTTATTTCCGGTCTATGGGACCCGGCTGCGATTTGCTGCTGCGGAC[A>G]GCAGCTACCATCACTGCTGCCGCCATCATGTCAGACACGGACAGCGACGAAGATTCCGCT-3'

ClinVar aggregate classification (germline): Likely benign. Review status: criteria provided, multiple submitters, no conflicts (2 of 4 stars). 2 submissions from 2 submitters: Likely benign (2). Last evaluated 2026-02-01.

Submissions (2):

CeGaT Center for Human Genetics Tuebingen
Classification: Likely benign. Last evaluated: 2026-02-01. Review status: criteria provided, single submitter. Criteria: CeGaT Center For Human Genetics Tuebingen Variant Classification Criteria Version 2. Collection method: clinical testing. Allele origin: germline. Affected: yes. Observed: 1 variant allele.
Comment: TAF1: BP4, BP7, BS2

Blueprint Genetics
Classification: Likely benign. Last evaluated: 2024-02-19. Review status: criteria provided, single submitter. Criteria: ACMG Guidelines, 2015. Collection method: clinical testing. Allele origin: germline.